The following is an entry in ClinVar:

ClinVar aggregate classification (germline): Pathogenic (1 of 4 stars; one submission).

Submission:

Labcorp Genetics (formerly Invitae), Labcorp
Classification: Pathogenic. Last evaluated: 2026-01-05. Review status: criteria provided, single submitter. Criteria: Invitae Variant Classification Sherloc (09022015). Collection method: clinical testing. Allele origin: germline.
Comment: This sequence change creates a premature translational stop signal (p.Gly1776Trpfs*5) in the LRP2 gene. It is expected to result in an absent or disrupted protein product. Loss-of-function variants in LRP2 are known to be pathogenic (PMID: 17632512, 25682901). This variant is not present in population databases (gnomAD no frequency). This variant has not been reported in the literature in individuals affected with LRP2-related conditions. ClinVar contains an entry for this variant (Variation ID: 2008657). Algorithms developed to predict the effect of sequence changes on RNA splicing suggest that this variant may disrupt the consensus splice site. For these reasons, this variant has been classified as Pathogenic.

Literature cited by the submitters: PubMed 17632512; PubMed 25682901.

NM_004525.3(LRP2):c.5326_5336del (p.Gly1776fs)

Gene: LRP2 (LDL receptor related protein 2; minus strand). Cytogenetic location: 2q31.1.
Variant type: Deletion.
Coding change: c.5326_5336del on transcript NM_004525.3 (MANE Select); coding-DNA positions 5326 to 5336, 11 bases deleted (GGGATACAGAA).
Protein change: p.Gly1776fs; shifts the reading frame from glycine 1776.
Molecular consequence: frameshift variant.
Genome position (GRCh38, 1-based): chr2:169,226,480-169,226,490, TTCTGTATCCC deleted on the plus strand (GGGATACAGAA on the coding strand, the reverse complement: LRP2 is on the minus strand); deleting any 11 consecutive bases within chr2:169,226,480-169,226,491 gives the same sequence; the c. name uses the placement nearest the transcript's 3' end. VCF-style (leftmost placement, unchanged base first): chr2-169226479-ATTCTGTATCCC-A. GRCh37 (hg19) VCF-style: chr2-170082989-ATTCTGTATCCC-A.
Other names: short protein forms G1776fs.
Identifiers: ClinVar variation 2008657 (VCV002008657.4), dbSNP rs2545852869, ClinGen allele CA2580064441.
Genomic context (GRCh38, chr2:169,226,479, plus strand): 5'-TACTGGATTTTCAACCCAATAGATGTATTGCTCAGCATCATCAAATTCAACATCTAAACC[ATTCTGTATCCC>A]TGCTATGGGGACCATAGCATCATTGCTCTTCACCTCAGGATTAAGGGAGATTCCAAAAAT-3'